The following is an entry in ClinVar:

NM_000222.3(KIT):c.581C>T (p.Ser194Leu)

Gene: KIT (KIT proto-oncogene, receptor tyrosine kinase; plus strand). Cytogenetic location: 4q12.
Variant type: single nucleotide variant.
Coding change: c.581C>T on transcript NM_000222.3 (MANE Select); coding-DNA position 581, C replaced by T.
Protein change: p.Ser194Leu; replaces serine 194 with leucine.
Molecular consequence: missense variant.
Genome position (GRCh38, 1-based): chr4:54,698,527, C>T. VCF-style: chr4-54698527-C-T. GRCh37 (hg19) VCF-style: chr4-55564693-C-T.
Other names: c.581C>T, p.Ser194Leu (NM_001093772.2, NM_001385284.1, NM_001385285.1 and 4 more transcripts); short protein forms S194L.
Identifiers: ClinVar variation 4043745 (VCV004043745.1).

ClinVar aggregate classification (germline): Uncertain significance (1 of 4 stars; one submission).

Conditions:
Hereditary cancer-predisposing syndrome. Also called: Neoplastic Syndromes, Hereditary; Tumor predisposition; Hereditary neoplastic syndrome; Hereditary Cancer Syndrome. Identifiers: Orphanet 140162, MedGen C0027672, MeSH D009386, MONDO:0015356.

Submission:

Ambry Genetics
Classification: Uncertain significance for Hereditary cancer-predisposing syndrome. Last evaluated: 2025-05-02. Review status: criteria provided, single submitter. Criteria: Ambry Variant Classification Scheme 2023. Collection method: clinical testing. Allele origin: germline.
Comment: The p.S194L variant (also known as c.581C>T), located in coding exon 3 of the KIT gene, results from a C to T substitution at nucleotide position 581. The serine at codon 194 is replaced by leucine, an amino acid with dissimilar properties. This amino acid position is conserved. In addition, this alteration is predicted to be tolerated by in silico analysis. Based on the available evidence, the clinical significance of this variant remains unclear.